The following is an entry in ClinVar:

NM_001122681.2(SH3BP2):c.77G>T (p.Gly26Val)

Gene: SH3BP2 (SH3 domain binding protein 2; plus strand). Cytogenetic location: 4p16.3.
Variant type: single nucleotide variant.
Coding change: c.77G>T on transcript NM_001122681.2 (MANE Select); coding-DNA position 77, G replaced by T.
Protein change: p.Gly26Val; replaces glycine 26 with valine.
Molecular consequence: missense variant.
Genome position (GRCh38, 1-based): chr4:2,820,694, G>T. VCF-style: chr4-2820694-G-T. GRCh37 (hg19) VCF-style: chr4-2822421-G-T.
Other names: c.161G>T, p.Gly54Val (NM_001145855.2); c.248G>T, p.Gly83Val (NM_001145856.2); c.77G>T, p.Gly26Val (NM_003023.4); short protein forms G26V, G83V, G54V.
Identifiers: ClinVar variation 4718701 (VCV004718701.1).

ClinVar aggregate classification (germline): Uncertain significance (1 of 4 stars; one submission).

Conditions:
Fibrous dysplasia of jaw (CRBM). Also called: Cherubism. Identifiers: Orphanet 184, MedGen C0008029, MONDO:0007315, OMIM 118400.

Submission:

Labcorp Genetics (formerly Invitae), Labcorp
Classification: Uncertain significance for Fibrous dysplasia of jaw. Last evaluated: 2025-12-23. Review status: criteria provided, single submitter. Criteria: Invitae Variant Classification Sherloc (09022015). Collection method: clinical testing. Allele origin: germline.
Comment: This sequence change replaces glycine, which is neutral and non-polar, with valine, which is neutral and non-polar, at codon 26 of the SH3BP2 protein (p.Gly26Val). This variant is not present in population databases (gnomAD no frequency). This variant has not been reported in the literature in individuals affected with SH3BP2-related conditions. Invitae Evidence Modeling of protein sequence and biophysical properties (such as structural, functional, and spatial information, amino acid conservation, physicochemical variation, residue mobility, and thermodynamic stability) indicates that this missense variant is not expected to disrupt SH3BP2 protein function with a negative predictive value of 95%. In summary, the available evidence is currently insufficient to determine the role of this variant in disease. Therefore, it has been classified as a Variant of Uncertain Significance.